The following is an entry in ClinVar:

NM_002485.5(NBN):c.1589C>G (p.Ser530Cys)

Gene: NBN (nibrin; minus strand). Cytogenetic location: 8q21.3.
Variant type: single nucleotide variant.
Coding change: c.1589C>G on transcript NM_002485.5 (MANE Select); coding-DNA position 1589, C replaced by G.
Protein change: p.Ser530Cys; replaces serine 530 with cysteine.
Molecular consequence: missense variant.
Genome position (GRCh38, 1-based): chr8:89,953,500, G>C on the plus strand (C>G on the coding strand, the complement: NBN is on the minus strand). VCF-style: chr8-89953500-G-C. GRCh37 (hg19) VCF-style: chr8-90965728-G-C.
Other names: c.1343C>G, p.Ser448Cys (NM_001024688.3); short protein forms S448C, S530C.
Identifiers: ClinVar variation 926383 (VCV000926383.6), dbSNP rs920311188, ClinGen allele CA371655528.

ClinVar aggregate classification (germline): Uncertain significance (1 of 4 stars; one submission).

Conditions:
Microcephaly, normal intelligence and immunodeficiency (NBS). Also called: Nijmegen breakage syndrome; Microcephaly with normal intelligence immunodeficiency and lymphoreticular malignancies; Nonsyndromal microcephaly autosomal recessive with normal intelligence; Seemanova syndrome 2; IMMUNODEFICIENCY, MICROCEPHALY, AND CHROMOSOMAL INSTABILITY; SEEMANOVA SYNDROME II. Identifiers: Orphanet 647, MedGen C0398791, MONDO:0009623, OMIM 251260.

Submission:

Labcorp Genetics (formerly Invitae), Labcorp
Classification: Uncertain significance for Microcephaly, normal intelligence and immunodeficiency. Last evaluated: 2022-08-23. Review status: criteria provided, single submitter. Criteria: Invitae Variant Classification Sherloc (09022015). Collection method: clinical testing. Allele origin: germline.
Comment: In summary, the available evidence is currently insufficient to determine the role of this variant in disease. Therefore, it has been classified as a Variant of Uncertain Significance. Algorithms developed to predict the effect of missense changes on protein structure and function are either unavailable or do not agree on the potential impact of this missense change (SIFT: "Tolerated"; PolyPhen-2: "Possibly Damaging"; Align-GVGD: "Class C0"). ClinVar contains an entry for this variant (Variation ID: 926383). This variant has not been reported in the literature in individuals affected with NBN-related conditions. This variant is not present in population databases (gnomAD no frequency). This sequence change replaces serine, which is neutral and polar, with cysteine, which is neutral and slightly polar, at codon 530 of the NBN protein (p.Ser530Cys).